The following is an entry in ClinVar:

NM_003482.4(KMT2D):c.7045C>A (p.Pro2349Thr)

Gene: KMT2D (lysine methyltransferase 2D; minus strand). Cytogenetic location: 12q13.12.
Variant type: single nucleotide variant.
Coding change: c.7045C>A on transcript NM_003482.4 (MANE Select); coding-DNA position 7045, C replaced by A.
Protein change: p.Pro2349Thr; replaces proline 2349 with threonine.
Molecular consequence: missense variant.
Genome position (GRCh38, 1-based): chr12:49,040,725, G>T on the plus strand (C>A on the coding strand, the complement: KMT2D is on the minus strand). VCF-style: chr12-49040725-G-T. GRCh37 (hg19) VCF-style: chr12-49434508-G-T.
Other names: short protein forms P2349T.
Identifiers: ClinVar variation 2755173 (VCV002755173.3), dbSNP rs56123231, ClinGen allele CA384749000.

ClinVar aggregate classification (germline): Uncertain significance (1 of 4 stars; one submission).

Conditions:
Kabuki syndrome. Also called: NIIKAWA-KUROKI SYNDROME; Kabuki make-up syndrome. Identifiers: Orphanet 2322, MedGen C0796004, MONDO:0016512.

Submission:

Labcorp Genetics (formerly Invitae), Labcorp
Classification: Uncertain significance for Kabuki syndrome. Last evaluated: 2023-08-25. Review status: criteria provided, single submitter. Criteria: Invitae Variant Classification Sherloc (09022015). Collection method: clinical testing. Allele origin: germline.
Comment: This sequence change replaces proline, which is neutral and non-polar, with threonine, which is neutral and polar, at codon 2349 of the KMT2D protein (p.Pro2349Thr). This variant is not present in population databases (gnomAD no frequency). This variant has not been reported in the literature in individuals affected with KMT2D-related conditions. Advanced modeling of protein sequence and biophysical properties (such as structural, functional, and spatial information, amino acid conservation, physicochemical variation, residue mobility, and thermodynamic stability) performed at Invitae indicates that this missense variant is not expected to disrupt KMT2D protein function. In summary, the available evidence is currently insufficient to determine the role of this variant in disease. Therefore, it has been classified as a Variant of Uncertain Significance.